The following is an entry in ClinVar:

ClinVar aggregate classification (germline): Conflicting classifications of pathogenicity. Review status: criteria provided, conflicting classifications (1 of 4 stars). 5 submissions from 5 submitters: Uncertain significance (2); Benign (1); Likely benign (1). 1 of the submissions does not count toward it. Last evaluated 2026-05-28.

Conditions:
Ullrich congenital muscular dystrophy 2 (UCMD2). Identifiers: Orphanet 75840, MedGen C4225314, MONDO:0014654, OMIM 616470.
Bethlem myopathy 2 (BTHLM2). Identifiers: Orphanet 536516, Orphanet 610, MedGen C4225313, MONDO:0034022, OMIM 616471.
COL12A1-related disorder. Also called: COL12A1-related condition.

Allele frequency attached by ClinVar (database versions not stated): gnomAD 0.00007 and below 0.00001; ExAC 0.00040; 1000 Genomes Project 30x 0.00062; gnomAD exomes 0.00013 and 0.00036; 1000 Genomes Project 0.00080.
gnomAD v4.1: 201 of 1,596,984 alleles (0.013%); highest among the groups gnomAD compares: South Asian, 0.21%; 3 homozygotes.

Submissions (5):

Women's Health and Genetics/Laboratory Corporation of America, LabCorp
Classification: Likely benign. Last evaluated: 2026-05-28. Review status: criteria provided, single submitter. Criteria: LabCorp Variant Classification Summary - May 2015. Collection method: clinical testing. Allele origin: germline.

Labcorp Genetics (formerly Invitae), Labcorp
Classification: Benign for Bethlem myopathy 2; Ullrich congenital muscular dystrophy 2. Last evaluated: 2025-06-09. Review status: criteria provided, single submitter. Criteria: Invitae Variant Classification Sherloc (09022015). Collection method: clinical testing. Allele origin: germline.

Mayo Clinic Laboratories, Mayo Clinic
Classification: Uncertain significance. Last evaluated: 2025-03-19. Review status: criteria provided, single submitter. Criteria: ACMG Guidelines, 2015. Collection method: clinical testing. Allele origin: germline. Observed: 1 variant allele.
Comment: BS1

GeneDx
Classification: Uncertain significance. Last evaluated: 2023-06-13. Review status: criteria provided, single submitter. Criteria: GeneDx Variant Classification Process June 2021. Collection method: clinical testing. Allele origin: germline. Affected: yes.
Comment: Has not been previously published as pathogenic or benign to our knowledge; In silico analysis is inconclusive as to whether the variant alters gene splicing. In the absence of RNA/functional studies, the actual effect of this sequence change is unknown.

PreventionGenetics, part of Exact Sciences
Classification: Likely benign for COL12A1-related condition. Last evaluated: 2023-03-28. Review status: no assertion criteria provided. Collection method: clinical testing. Allele origin: germline. Not counted in ClinVar's aggregate classification.
Comment: This variant is classified as likely benign based on ACMG/AMP sequence variant interpretation guidelines (Richards et al. 2015 PMID: 25741868, with internal and published modifications).

NM_004370.6(COL12A1):c.4422A>G (p.Pro1474=)

Gene: COL12A1 (collagen type XII alpha 1 chain; minus strand). Cytogenetic location: 6q13.
Variant type: single nucleotide variant.
Coding change: c.4422A>G on transcript NM_004370.6 (MANE Select); coding-DNA position 4422, A replaced by G.
Protein change: p.Pro1474=; no amino-acid change (proline 1474 retained).
Molecular consequence: synonymous variant.
Genome position (GRCh38, 1-based): chr6:75,146,240, T>C on the plus strand (A>G on the coding strand, the complement: COL12A1 is on the minus strand). VCF-style: chr6-75146240-T-C. GRCh37 (hg19) VCF-style: chr6-75855956-T-C.
Other names: p.Pro1474=; c.930A>G, p.Pro310= (NM_080645.3).
Identifiers: ClinVar variation 706488 (VCV000706488.13), dbSNP rs558383133, ClinGen allele CA3893448.
Genomic context (GRCh38, chr6:75,146,240, plus strand): 5'-CCACTGCACATGCATGGTGGTAGGGCCAACATCATAAATATTCAGGCTGACTACAGGCAC[T>C]GGCACTTCCAAAACAGAAAAGCAGACCATCAGTCTAGTTCCTTTCATTCCACTCATTTTT-3'
Protein context (NP_004361.3, residues 1464-1484): EPLKGTEKTL[Pro1474=]VPVVSLNIYD